The following is an entry in ClinVar:

NM_001277115.2(DNAH11):c.12352A>G (p.Ser4118Gly)

Gene: DNAH11 (dynein axonemal heavy chain 11; plus strand). Cytogenetic location: 7p15.3.
Variant type: single nucleotide variant.
Coding change: c.12352A>G on transcript NM_001277115.2 (MANE Select); coding-DNA position 12352, A replaced by G.
Protein change: p.Ser4118Gly; replaces serine 4118 with glycine.
Molecular consequence: missense variant.
Genome position (GRCh38, 1-based): chr7:21,880,858, A>G. VCF-style: chr7-21880858-A-G. GRCh37 (hg19) VCF-style: chr7-21920476-A-G.
Other names: c.12352A>G (NM_001277115.1); short protein forms S4118G.
Identifiers: ClinVar variation 1518081 (VCV001518081.4), dbSNP rs1783899391, ClinGen allele CA366964178.

ClinVar aggregate classification (germline): Uncertain significance. Review status: criteria provided, multiple submitters, no conflicts (2 of 4 stars). 2 submissions from 2 submitters: Uncertain significance (2). Last evaluated 2023-12-10.

Conditions:
Primary ciliary dyskinesia. Also called: Ciliary dyskinesia. Identifiers: Orphanet 244, MedGen C0008780, MONDO:0016575, HP:0012265.

Allele frequency attached by ClinVar (database versions not stated): gnomAD exomes below 0.00001.
gnomAD v4.1: 4 of 1,613,156 alleles (0.00025%); highest among the groups gnomAD compares: South Asian, 0.0011%; no homozygotes.

Submissions (2):

Ambry Genetics
Classification: Uncertain significance for Primary ciliary dyskinesia. Last evaluated: 2023-12-10. Review status: criteria provided, single submitter. Criteria: Ambry Variant Classification Scheme 2023. Collection method: clinical testing. Allele origin: germline.
Comment: The p.S4118G variant (also known as c.12352A>G), located in coding exon 75 of the DNAH11 gene, results from an A to G substitution at nucleotide position 12352. The serine at codon 4118 is replaced by glycine, an amino acid with similar properties. This amino acid position is conserved. In addition, this alteration is predicted to be tolerated by in silico analysis. Since supporting evidence is limited at this time, the clinical significance of this alteration remains unclear.

Labcorp Genetics (formerly Invitae), Labcorp
Classification: Uncertain significance for Primary ciliary dyskinesia. Last evaluated: 2021-09-15. Review status: criteria provided, single submitter. Criteria: Invitae Variant Classification Sherloc (09022015). Collection method: clinical testing. Allele origin: germline.
Comment: This sequence change replaces serine with glycine at codon 4118 of the DNAH11 protein (p.Ser4118Gly). The serine residue is weakly conserved and there is a small physicochemical difference between serine and glycine. This variant is not present in population databases (ExAC no frequency). This variant has not been reported in the literature in individuals affected with DNAH11-related conditions. Advanced modeling of protein sequence and biophysical properties (such as structural, functional, and spatial information, amino acid conservation, physicochemical variation, residue mobility, and thermodynamic stability) performed at Invitae indicates that this missense variant is not expected to disrupt DNAH11 protein function. In summary, the available evidence is currently insufficient to determine the role of this variant in disease. Therefore, it has been classified as a Variant of Uncertain Significance.